The following is an entry in ClinVar:

ClinVar aggregate classification (germline): Uncertain significance (1 of 4 stars; one submission).

Conditions:
Hereditary cancer-predisposing syndrome. Also called: Hereditary neoplastic syndrome; Neoplastic Syndromes, Hereditary; Tumor predisposition; Hereditary Cancer Syndrome. Identifiers: Orphanet 140162, MedGen C0027672, MeSH D009386, MONDO:0015356.

Submission:

Ambry Genetics
Classification: Uncertain significance for Hereditary cancer-predisposing syndrome. Last evaluated: 2025-01-27. Review status: criteria provided, single submitter. Criteria: Ambry Variant Classification Scheme 2023. Collection method: clinical testing. Allele origin: germline.
Comment: The p.Y561* variant (also known as c.1683C>A), located in coding exon 11 of the FLCN gene, results from a C to A substitution at nucleotide position 1683. This changes the amino acid from a tyrosine to a stop codon within coding exon 11. This alteration occurs at the 3' terminus of the FLCN gene, is not expected to trigger nonsense-mediated mRNA decay, and impacts the last 19 amino acids of the protein. The exact functional effect of this alteration is unknown. Based on the available evidence, the clinical significance of this variant remains unclear.

NM_144997.7(FLCN):c.1683C>A (p.Tyr561Ter)

Gene: FLCN (folliculin; minus strand). Cytogenetic location: 17p11.2.
Variant type: single nucleotide variant.
Coding change: c.1683C>A on transcript NM_144997.7 (MANE Select); coding-DNA position 1683, C replaced by A.
Protein change: p.Tyr561Ter; replaces tyrosine 561 with a stop codon.
Molecular consequence: nonsense.
Genome position (GRCh38, 1-based): chr17:17,213,712, G>T on the plus strand (C>A on the coding strand, the complement: FLCN is on the minus strand). VCF-style: chr17-17213712-G-T. GRCh37 (hg19) VCF-style: chr17-17117026-G-T.
Other names: c.1737C>A, p.Tyr579Ter (NM_001353229.2); c.1683C>A, p.Tyr561Ter (NM_001353230.2, NM_001353231.2); short protein forms Y561*, Y579*.
Identifiers: ClinVar variation 3850571 (VCV003850571.1).